The following is an entry in ClinVar:

ClinVar aggregate classification (germline): Uncertain significance (1 of 4 stars; one submission).

Conditions:
Hereditary cancer-predisposing syndrome. Also called: Neoplastic Syndromes, Hereditary; Tumor predisposition; Hereditary neoplastic syndrome; Hereditary Cancer Syndrome. Identifiers: Orphanet 140162, MedGen C0027672, MeSH D009386, MONDO:0015356.

Submission:

Ambry Genetics
Classification: Uncertain significance for Hereditary cancer-predisposing syndrome. Last evaluated: 2024-01-03. Review status: criteria provided, single submitter. Criteria: Ambry Variant Classification Scheme 2023. Collection method: clinical testing. Allele origin: germline.
Comment: The p.S40C variant (also known as c.119C>G), located in coding exon 1 of the TMEM127 gene, results from a C to G substitution at nucleotide position 119. The serine at codon 40 is replaced by cysteine, an amino acid with dissimilar properties. This amino acid position is conserved. In addition, this alteration is predicted to be deleterious by in silico analysis. Since supporting evidence is limited at this time, the clinical significance of this alteration remains unclear.

NM_017849.4(TMEM127):c.119C>G (p.Ser40Cys)

Genes: TMEM127 (transmembrane protein 127; minus strand), LOC129934333 (ATAC-STARR-seq lymphoblastoid silent region 11759; plus strand). Cytogenetic location: 2q11.2.
Variant type: single nucleotide variant.
Coding change: c.119C>G on transcript NM_017849.4 (MANE Select); coding-DNA position 119, C replaced by G.
Protein change: p.Ser40Cys; replaces serine 40 with cysteine.
Molecular consequence: missense variant. On other transcripts: intron variant (1).
Genome position (GRCh38, 1-based): chr2:96,265,263, G>C on the plus strand (C>G on the coding strand, the complement: TMEM127 is on the minus strand). VCF-style: chr2-96265263-G-C. GRCh37 (hg19) VCF-style: chr2-96931001-G-C.
Other names: c.119C>G, p.Ser40Cys (NM_001193304.3); c.-9+606C>G (NM_001407283.1); short protein forms S40C.
Identifiers: ClinVar variation 3227063 (VCV003227063.1), dbSNP rs1684392721, ClinGen allele CA347656077.